The following is an entry in ClinVar:

ClinVar aggregate classification (germline): Conflicting classifications of pathogenicity. Review status: criteria provided, conflicting classifications (1 of 4 stars). 2 submissions from 2 submitters: Uncertain significance (1); Likely benign (1). Last evaluated 2024-02-24.

Conditions:
Renal coloboma syndrome (PAPRS). Also called: RENAL-COLOBOMA SYNDROME WITH MACULAR ABNORMALITIES; PAPILLORENAL SYNDROME; PAPILLORENAL SYNDROME WITH MILD OCULAR ABNORMALITIES; COLOBOMA OF OPTIC NERVE WITH RENAL DISEASE; OPTIC COLOBOMA, VESICOURETERAL REFLUX, AND RENAL ANOMALIES; OPTIC NERVE COLOBOMA WITH RENAL DISEASE. Identifiers: Orphanet 1475, MedGen C1852759, MONDO:0007352, OMIM 120330.
Focal segmental glomerulosclerosis 7 (FSGS7). Identifiers: Orphanet 656, MedGen C4014925, MONDO:0014451, OMIM 616002.

Submissions (2):

Labcorp Genetics (formerly Invitae), Labcorp
Classification: Likely benign for Renal coloboma syndrome; Focal segmental glomerulosclerosis 7. Last evaluated: 2024-02-24. Review status: criteria provided, single submitter. Criteria: Invitae Variant Classification Sherloc (09022015). Collection method: clinical testing. Allele origin: germline.

Laboratory for Molecular Medicine, Mass General Brigham Personalized Medicine
Classification: Uncertain significance. Last evaluated: 2019-11-13. Review status: criteria provided, single submitter. Criteria: LMM Criteria. Collection method: clinical testing. Allele origin: germline. Observed: 1 variant allele.
Comment: The c.44-12_44-8dup (NM_003990.3) variant in PAX2 has not been previously reported in individuals with papillorenal syndrome and was absent from large population studies. In most PAX2 transcripts, this duplication is located in the 3' splice region of intron 1. While computational tools do not predict a splicing impact, this information is not predictive enough to rule out pathogenicity. It should also be noted this variant falls within the coding region of at least one PAX2 transcript (ENST00000554172.1: c.44_48dup (p.Ser17ValfsX10)) that is expressed in kidney tissue (GTEx). On the ENST00000554172.1 transcript, the duplication is predicted to cause a frameshift, which alters the proteinâ€™s amino acid sequence beginning at position 17 and leads to a premature termination codon 10 amino acids downstream. While loss of function of the PAX2 gene is an established disease mechanism for autosomal dominant papillorenal syndrome, at this time there is insufficient evidence to determine if ENST00000554172.1 is a biologically relevant transcript. In summary, the clinical significance of this variant is uncertain. ACMG/AMP Criteria applied: PM2.

NM_000278.5(PAX2):c.44-12_44-8dup

Gene: PAX2 (paired box 2; plus strand). Cytogenetic location: 10q24.31.
Variant type: Duplication.
Coding change: c.44-12_44-8dup on transcript NM_000278.5 (MANE Select); 12 bases into the intron before coding-DNA position 44 through 8 bases into the intron before coding-DNA position 44, 5 bases duplicated (GTCTC; older notation c.44-12_44-8dupGTCTC).
Molecular consequence: intron variant.
Genome position (GRCh38, 1-based): chr10:100,749,734-100,749,738, GTCTC duplicated. VCF-style (leftmost placement, unchanged base first): chr10-100749733-T-TGTCTC. GRCh37 (hg19) VCF-style: chr10-102509490-T-TGTCTC.
Other names: c.137-12_137-8dup (NM_001304569.2); c.44-12_44-8dup (NM_003987.5, NM_003990.5, NM_003988.5 and 1 more transcripts).
Identifiers: ClinVar variation 930167 (VCV000930167.8), dbSNP rs1845364215, ClinGen allele CA1139661651.